The following is an entry in ClinVar:

NM_004655.4(AXIN2):c.1508A>C (p.Lys503Thr)

Gene: AXIN2 (axin 2; minus strand). Cytogenetic location: 17q24.1.
Variant type: single nucleotide variant.
Coding change: c.1508A>C on transcript NM_004655.4 (MANE Select); coding-DNA position 1508, A replaced by C.
Protein change: p.Lys503Thr; replaces lysine 503 with threonine.
Molecular consequence: missense variant.
Genome position (GRCh38, 1-based): chr17:65,537,528, T>G on the plus strand (A>C on the coding strand, the complement: AXIN2 is on the minus strand). VCF-style: chr17-65537528-T-G. GRCh37 (hg19) VCF-style: chr17-63533646-T-G.
Other names: c.1508A>C, p.Lys503Thr (NM_001363813.1); short protein forms K503T.
Identifiers: ClinVar variation 3672546 (VCV003672546.3).

ClinVar aggregate classification (germline): Uncertain significance. Review status: criteria provided, multiple submitters, no conflicts (2 of 4 stars). 2 submissions from 2 submitters: Uncertain significance (2). Last evaluated 2025-05-03.

Conditions:
Hereditary cancer-predisposing syndrome. Also called: Neoplastic Syndromes, Hereditary; Tumor predisposition; Hereditary Cancer Syndrome; Hereditary neoplastic syndrome. Identifiers: Orphanet 140162, MedGen C0027672, MeSH D009386, MONDO:0015356.
Oligodontia-cancer predisposition syndrome. Also called: TOOTH AGENESIS-COLORECTAL CANCER SYNDROME. Identifiers: Orphanet 300576, MedGen C1837750, MONDO:0012075, OMIM 608615. Disease mechanism: loss of function.

Submissions (2):

Ambry Genetics
Classification: Uncertain significance for Hereditary cancer-predisposing syndrome. Last evaluated: 2025-05-03. Review status: criteria provided, single submitter. Criteria: Ambry Variant Classification Scheme 2023. Collection method: clinical testing. Allele origin: germline.
Comment: The p.K503T variant (also known as c.1508A>C), located in coding exon 5 of the AXIN2 gene, results from an A to C substitution at nucleotide position 1508. The lysine at codon 503 is replaced by threonine, an amino acid with similar properties. This amino acid position is conserved. In addition, this alteration is predicted to be tolerated by in silico analysis. Based on the available evidence, the clinical significance of this variant remains unclear.

Labcorp Genetics (formerly Invitae), Labcorp
Classification: Uncertain significance for Oligodontia-cancer predisposition syndrome. Last evaluated: 2024-09-03. Review status: criteria provided, single submitter. Criteria: Invitae Variant Classification Sherloc (09022015). Collection method: clinical testing. Allele origin: germline.
Comment: This sequence change replaces lysine, which is basic and polar, with threonine, which is neutral and polar, at codon 503 of the AXIN2 protein (p.Lys503Thr). This variant is not present in population databases (gnomAD no frequency). This variant has not been reported in the literature in individuals affected with AXIN2-related conditions. Invitae Evidence Modeling of protein sequence and biophysical properties (such as structural, functional, and spatial information, amino acid conservation, physicochemical variation, residue mobility, and thermodynamic stability) indicates that this missense variant is not expected to disrupt AXIN2 protein function with a negative predictive value of 80%. In summary, the available evidence is currently insufficient to determine the role of this variant in disease. Therefore, it has been classified as a Variant of Uncertain Significance.